The following is an entry in ClinVar:

ClinVar aggregate classification (germline): Likely benign. Review status: criteria provided, multiple submitters, no conflicts (2 of 4 stars). 3 submissions from 3 submitters: Likely benign (2). 1 of the submissions does not count toward it. Last evaluated 2024-12-19.

Conditions:
GPR143-related disorder. Also called: GPR143-related condition.

Allele frequency attached by ClinVar (database versions not stated): gnomAD 0.00004 and 0.00005; 1000 Genomes Project 30x 0.00042.
gnomAD v4.1: 33 of 1,172,139 alleles (0.0028%); highest among the groups gnomAD compares: East Asian, 0.027%; no homozygotes.

Submissions (3):

Labcorp Genetics (formerly Invitae), Labcorp
Classification: Likely benign. Last evaluated: 2024-12-19. Review status: criteria provided, single submitter. Criteria: Invitae Variant Classification Sherloc (09022015). Collection method: clinical testing. Allele origin: germline.

Blueprint Genetics
Classification: Likely benign. Last evaluated: 2024-11-05. Review status: criteria provided, single submitter. Criteria: ACMG Guidelines, 2015. Collection method: clinical testing. Allele origin: germline.

PreventionGenetics, part of Exact Sciences
Classification: Likely benign for GPR143-related condition. Last evaluated: 2019-04-16. Review status: no assertion criteria provided. Collection method: clinical testing. Allele origin: germline. Not counted in ClinVar's aggregate classification.
Comment: This variant is classified as likely benign based on ACMG/AMP sequence variant interpretation guidelines (Richards et al. 2015 PMID: 25741868, with internal and published modifications).

NM_000273.3(GPR143):c.444G>A (p.Ser148=)

Gene: GPR143 (G protein-coupled receptor 143; minus strand). Cytogenetic location: Xp22.2.
Variant type: single nucleotide variant.
Coding change: c.444G>A on transcript NM_000273.3 (MANE Select); coding-DNA position 444, G replaced by A.
Protein change: p.Ser148=; no amino-acid change (serine 148 retained).
Molecular consequence: synonymous variant.
Genome position (GRCh38, 1-based): chrX:9,759,343, C>T on the plus strand (G>A on the coding strand, the complement: GPR143 is on the minus strand). VCF-style: chrX-9759343-C-T. GRCh37 (hg19) VCF-style: chrX-9727383-C-T.
Other names: c.444G>A (NM_000273.2).
Identifiers: ClinVar variation 1557286 (VCV001557286.11), dbSNP rs186055724, ClinGen allele CA10345030.